The following is an entry in ClinVar:

NM_001376.5(DYNC1H1):c.9036G>A (p.Leu3012=)

Genes: DYNC1H1 (dynein cytoplasmic 1 heavy chain 1; plus strand), LOC126862060 (BRD4-independent group 4 enhancer GRCh37_chr14:102493659-102494858; plus strand). Cytogenetic location: 14q32.31.
Variant type: single nucleotide variant.
Coding change: c.9036G>A on transcript NM_001376.5 (MANE Select); coding-DNA position 9036, G replaced by A.
Protein change: p.Leu3012=; no amino-acid change (leucine 3012 retained).
Molecular consequence: synonymous variant.
Genome position (GRCh38, 1-based): chr14:102,027,532, G>A. VCF-style: chr14-102027532-G-A. GRCh37 (hg19) VCF-style: chr14-102493869-G-A.
Identifiers: ClinVar variation 3030522 (VCV003030522.4), dbSNP rs2048463893, ClinGen allele CA488185323.
Genomic context (GRCh38, chr14:102,027,532, plus strand): 5'-TATAATGGATGAATCTAATGTGTTAGATTCTGGATTCCTGGAGCGAATGAATACCCTTCT[G>A]GCCAATGGAGAGGTAATTAGGTGACGTGTTGCGTTGCATTACGTGTTACCGGGGGACCAG-3'
Protein context (NP_001367.2, residues 3002-3022): SGFLERMNTL[Leu3012=]ANGEVPGLFE

ClinVar aggregate classification (germline): Likely benign. Review status: criteria provided, single submitter (1 of 4 stars). 2 submissions from 2 submitters: Likely benign (1). 1 of the submissions does not count toward it. Last evaluated 2025-08-06.

Conditions:
DYNC1H1-related disorder. Also called: DYNC1H1-related disorders; DYNC1H1-related condition. Identifiers: MedGen CN381529.
Charcot-Marie-Tooth disease axonal type 2O. Also called: Charcot-Marie-Tooth disease, axonal, type 20; CHARCOT-MARIE-TOOTH NEUROPATHY, AXONAL, TYPE 2O; CHARCOT-MARIE-TOOTH DISEASE, AXONAL, AUTOSOMAL DOMINANT, TYPE 2O; Charcot-Marie-Tooth Neuropathy Type 2O. Identifiers: Orphanet 284232, MedGen C3280220, MONDO:0013644, OMIM 614228.

Allele frequency attached by ClinVar (database versions not stated): TOPMed 0.00001.

Submissions (2):

Labcorp Genetics (formerly Invitae), Labcorp
Classification: Likely benign for Charcot-Marie-Tooth disease axonal type 2O. Last evaluated: 2025-08-06. Review status: criteria provided, single submitter. Criteria: Invitae Variant Classification Sherloc (09022015). Collection method: clinical testing. Allele origin: germline.

PreventionGenetics, part of Exact Sciences
Classification: Likely benign for DYNC1H1-related condition. Last evaluated: 2023-02-20. Review status: no assertion criteria provided. Collection method: clinical testing. Allele origin: germline. Not counted in ClinVar's aggregate classification.
Comment: This variant is classified as likely benign based on ACMG/AMP sequence variant interpretation guidelines (Richards et al. 2015 PMID: 25741868, with internal and published modifications).